The following is an entry in ClinVar:

NM_001063.4(TF):c.1421G>T (p.Gly474Val)

Gene: TF (transferrin; plus strand). Cytogenetic location: 3q22.1.
Variant type: single nucleotide variant.
Coding change: c.1421G>T on transcript NM_001063.4 (MANE Select); coding-DNA position 1421, G replaced by T.
Protein change: p.Gly474Val; replaces glycine 474 with valine.
Molecular consequence: missense variant.
Genome position (GRCh38, 1-based): chr3:133,766,368, G>T. VCF-style: chr3-133766368-G-T. GRCh37 (hg19) VCF-style: chr3-133485212-G-T.
Other names: c.1289G>T, p.Gly430Val (NM_001354703.2); c.1040G>T, p.Gly347Val (NM_001354704.2); short protein forms G474V, G347V, G430V.
Identifiers: ClinVar variation 1461622 (VCV001461622.6), dbSNP rs1224246575, ClinGen allele CA354608708.

ClinVar aggregate classification (germline): Uncertain significance (1 of 4 stars; one submission).

Allele frequency attached by ClinVar (database versions not stated): gnomAD exomes below 0.00001; gnomAD 0.00001; TOPMed 0.00001.
gnomAD v4.1: 2 of 1,614,098 alleles (0.00012%); highest among the groups gnomAD compares: African/African-American, 0.0027%; no homozygotes.

Submission:

Labcorp Genetics (formerly Invitae), Labcorp
Classification: Uncertain significance. Last evaluated: 2021-11-22. Review status: criteria provided, single submitter. Criteria: Invitae Variant Classification Sherloc (09022015). Collection method: clinical testing. Allele origin: germline.
Comment: In summary, the available evidence is currently insufficient to determine the role of this variant in disease. Therefore, it has been classified as a Variant of Uncertain Significance. Algorithms developed to predict the effect of missense changes on protein structure and function are either unavailable or do not agree on the potential impact of this missense change (SIFT: "Deleterious"; PolyPhen-2: "Probably Damaging"; Align-GVGD: "Class C0"). This variant has not been reported in the literature in individuals affected with TF-related conditions. This variant is present in population databases (no rsID available, gnomAD 0.01%). This sequence change replaces glycine, which is neutral and non-polar, with valine, which is neutral and non-polar, at codon 474 of the TF protein (p.Gly474Val).